The following is an entry in ClinVar:

NM_001127511.3(APC):c.-53G>A

Gene: APC (APC regulator of Wnt signaling pathway; plus strand). Cytogenetic location: 5q22.2.
Variant type: single nucleotide variant.
Coding change: c.-53G>A on transcript NM_001127511.3; 53 bases upstream of the start codon, G replaced by A.
Molecular consequence: 5 prime UTR variant. On other transcripts: non-coding transcript variant (1), intron variant (5).
Genome position (GRCh38, 1-based): chr5:112,707,665, G>A. VCF-style: chr5-112707665-G-A. GRCh37 (hg19) VCF-style: chr5-112043362-G-A.
Other names: c.-1271G>A (NM_001407472.1, NM_001407470.1); c.-19+16G>A (NM_001407448.1, NM_001407450.1, NM_001407457.1 and 1 more transcripts); c.-43+16G>A (NM_001407453.1); c.-236G>A (NM_001354895.2, NM_001407447.1, NM_001407452.1 and 3 more transcripts); c.-53G>A (NM_001354897.2, NM_001354902.2, NM_001407446.1).
Identifiers: ClinVar variation 1026043 (VCV001026043.6), dbSNP rs1750595145, ClinGen allele CA1573442610.
Genomic context (GRCh38, chr5:112,707,665, plus strand): 5'-AGGCCCGGGAGCTGCGGACCGAGGTTGGCTCGATGCTGTTCCCAGGTACTGTTGTTGGCT[G>A]TTGGTGAGGAAGGTGAAGCACTCAGTTGCCTTCTCGGGCCTCGGCGCCCCCTATGTACGC-3'

ClinVar aggregate classification (germline): Uncertain significance (1 of 4 stars; one submission).

Conditions:
Familial adenomatous polyposis 1 (FAP1). Also called: FAMILIAL ADENOMATOUS POLYPOSIS 1, ATTENUATED; POLYPOSIS, ADENOMATOUS INTESTINAL. Identifiers: MedGen C2713442, MONDO:0021056, OMIM 175100. Disease mechanism: loss of function.

Allele frequency attached by ClinVar (database versions not stated): gnomAD exomes below 0.00001.
gnomAD v4.1: 3 of 1,369,152 alleles (0.00022%); highest among the groups gnomAD compares: Non-Finnish European, 0.00029%; no homozygotes.

Submission:

Labcorp Genetics (formerly Invitae), Labcorp
Classification: Uncertain significance for Familial adenomatous polyposis 1. Last evaluated: 2023-04-05. Review status: criteria provided, single submitter. Criteria: Invitae Variant Classification Sherloc (09022015). Collection method: clinical testing. Allele origin: germline.
Comment: In summary, the available evidence is currently insufficient to determine the role of this variant in disease. Therefore, it has been classified as a Variant of Uncertain Significance. Experimental studies and prediction algorithms are not available or were not evaluated, and the functional significance of this variant is currently unknown. This variant has not been reported in the literature in individuals affected with APC-related conditions. This variant is not present in population databases (gnomAD no frequency). This variant occurs in a non-coding region of the APC gene. It does not change the encoded amino acid sequence of the APC protein.